The following is an entry in ClinVar:

ClinVar aggregate classification (germline): Uncertain significance. Review status: criteria provided, multiple submitters, no conflicts (2 of 4 stars). 3 submissions from 3 submitters: Uncertain significance (3). Last evaluated 2025-09-12.

Conditions:
TUBGCP6-related disorder. Also called: TUBGCP6-related condition.
Inborn genetic diseases. Identifiers: MedGen C0950123, MeSH D030342.

Allele frequency attached by ClinVar (database versions not stated): gnomAD exomes 0.00001; TOPMed 0.00003.
gnomAD v4.1: 7 of 1,611,074 alleles (0.00043%); highest among the groups gnomAD compares: South Asian, 0.0033%; no homozygotes.

Submissions (3):

PreventionGenetics, part of Exact Sciences
Classification: Uncertain significance for TUBGCP6-related condition. Last evaluated: 2025-09-12. Review status: criteria provided, single submitter. Criteria: ACMG Guidelines, 2015. Collection method: clinical testing. Allele origin: germline.
Comment: The TUBGCP6 c.3636G>T variant is predicted to result in the amino acid substitution p.Trp1212Cys. To our knowledge, this variant has not been reported in the literature. This variant is reported in 0.0033% of alleles in individuals of South Asian descent in gnomAD. At this time, the clinical significance of this variant is uncertain due to the absence of conclusive functional and genetic evidence.

Labcorp Genetics (formerly Invitae), Labcorp
Classification: Uncertain significance. Last evaluated: 2022-10-24. Review status: criteria provided, single submitter. Criteria: Invitae Variant Classification Sherloc (09022015). Collection method: clinical testing. Allele origin: germline.
Comment: In summary, the available evidence is currently insufficient to determine the role of this variant in disease. Therefore, it has been classified as a Variant of Uncertain Significance. Algorithms developed to predict the effect of missense changes on protein structure and function are either unavailable or do not agree on the potential impact of this missense change (SIFT: "Tolerated"; PolyPhen-2: "Probably Damaging"; Align-GVGD: "Class C0"). ClinVar contains an entry for this variant (Variation ID: 1035252). This variant has not been reported in the literature in individuals affected with TUBGCP6-related conditions. This variant is present in population databases (no rsID available, gnomAD 0.003%). This sequence change replaces tryptophan, which is neutral and slightly polar, with cysteine, which is neutral and slightly polar, at codon 1212 of the TUBGCP6 protein (p.Trp1212Cys).

Ambry Genetics
Classification: Uncertain significance for Inborn genetic diseases. Last evaluated: 2022-01-27. Review status: criteria provided, single submitter. Criteria: Ambry Variant Classification Scheme 2023. Collection method: clinical testing. Allele origin: germline.

NM_020461.4(TUBGCP6):c.3636G>T (p.Trp1212Cys)

Gene: TUBGCP6 (tubulin gamma complex component 6; minus strand). Cytogenetic location: 22q13.33.
Variant type: single nucleotide variant.
Coding change: c.3636G>T on transcript NM_020461.4 (MANE Select); coding-DNA position 3636, G replaced by T.
Protein change: p.Trp1212Cys; replaces tryptophan 1212 with cysteine.
Molecular consequence: missense variant.
Genome position (GRCh38, 1-based): chr22:50,220,723, C>A on the plus strand (G>T on the coding strand, the complement: TUBGCP6 is on the minus strand). VCF-style: chr22-50220723-C-A. GRCh37 (hg19) VCF-style: chr22-50659152-C-A.
Other names: c.3636G>T (NM_020461.3); short protein forms W1212C.
Identifiers: ClinVar variation 1035252 (VCV001035252.8), dbSNP rs1307570133, ClinGen allele CA412181184.